The following is an entry in ClinVar:

NM_000535.7(PMS2):c.1491C>T (p.Gly497=)

Gene: PMS2 (PMS1 homolog 2, mismatch repair system component; minus strand). Cytogenetic location: 7p22.1.
Variant type: single nucleotide variant.
Coding change: c.1491C>T on transcript NM_000535.7 (MANE Select); coding-DNA position 1491, C replaced by T.
Protein change: p.Gly497=; no amino-acid change (glycine 497 retained).
Molecular consequence: synonymous variant. On other transcripts: non-coding transcript variant (1), intron variant (1).
Genome position (GRCh38, 1-based): chr7:5,987,274, G>A on the plus strand (C>T on the coding strand, the complement: PMS2 is on the minus strand). VCF-style: chr7-5987274-G-A. GRCh37 (hg19) VCF-style: chr7-6026905-G-A.
Other names: c.1086C>T, p.Gly362= (NM_001322003.2, NM_001322004.2, NM_001322005.2 and 16 more transcripts); c.1335C>T, p.Gly445= (NM_001322006.2, NM_001406870.1); c.1173C>T, p.Gly391= (NM_001322007.2, NM_001322008.2, NM_001406876.1 and 2 more transcripts); c.930C>T, p.Gly310= (NM_001322010.2, NM_001406906.1, NM_001406907.1); c.558C>T, p.Gly186= (NM_001322011.2, NM_001322012.2); c.918C>T, p.Gly306= (NM_001322013.2, NM_001406909.1); c.1491C>T, p.Gly497= (NM_001322014.2, NM_001406871.1, NM_001406872.1); c.1182C>T, p.Gly394= (NM_001322015.2, NM_001406875.1, NM_001406877.1 and 5 more transcripts); and 13 more.
Identifiers: ClinVar variation 3903435 (VCV003903435.2).

ClinVar aggregate classification (germline): Benign/Likely benign. Review status: criteria provided, multiple submitters, no conflicts (2 of 4 stars). 2 submissions from 2 submitters: Benign (1); Likely benign (1). Last evaluated 2026-03-06.

Conditions:
Lynch syndrome 4 (LYNCH4). Also called: Colorectal cancer, hereditary nonpolyposis, type 4; Hereditary non-polyposis colorectal cancer, type 4. Identifiers: Orphanet 144, MedGen C1838333, MONDO:0013699, OMIM 614337. Disease mechanism: loss of function.
Hereditary cancer-predisposing syndrome. Also called: Neoplastic Syndromes, Hereditary; Tumor predisposition; Hereditary neoplastic syndrome; Hereditary Cancer Syndrome. Identifiers: Orphanet 140162, MedGen C0027672, MeSH D009386, MONDO:0015356.

Submissions (2):

Ambry Genetics
Classification: Likely benign for Hereditary cancer-predisposing syndrome. Last evaluated: 2026-03-06. Review status: criteria provided, single submitter. Criteria: Ambry Variant Classification Scheme 2023. Collection method: clinical testing. Allele origin: germline.

Myriad Genetics, Inc.
Classification: Benign for Lynch syndrome 4. Last evaluated: 2025-01-30. Review status: criteria provided, single submitter. Criteria: Myriad Autosomal Dominant, Autosomal Recessive and X-Linked Classification Criteria (2023). Collection method: clinical testing. Allele origin: unknown.
Comment: This variant is considered benign. This variant is a silent/synonymous amino acid change and it is not expected to impact splicing.